The following is an entry in ClinVar:

ClinVar aggregate classification (germline): Uncertain significance. Review status: criteria provided, multiple submitters, no conflicts (2 of 4 stars). 2 submissions from 2 submitters: Uncertain significance (2). Last evaluated 2026-01-21.

Conditions:
Alagille syndrome due to a JAG1 point mutation. Also called: JAG1-Related Alagille Syndrome; HEPATIC DUCTULAR HYPOPLASIA, SYNDROMATIC; Alagille Syndrome 1. Identifiers: Orphanet 261619, Orphanet 52, MedGen C1956125, MONDO:0016862, OMIM 118450.

Submissions (2):

GeneDx
Classification: Uncertain significance. Last evaluated: 2026-01-21. Review status: criteria provided, single submitter. Criteria: GeneDx Variant Classification Process June 2021. Collection method: clinical testing. Allele origin: germline.
Comment: Not observed at significant frequency in large population cohorts (gnomAD); In silico analysis suggests that this missense variant does not alter protein structure/function; Has not been previously published as pathogenic or benign to our knowledge

Labcorp Genetics (formerly Invitae), Labcorp
Classification: Uncertain significance for Alagille syndrome due to a JAG1 point mutation. Last evaluated: 2022-08-07. Review status: criteria provided, single submitter. Criteria: Invitae Variant Classification Sherloc (09022015). Collection method: clinical testing. Allele origin: germline.
Comment: This sequence change replaces threonine, which is neutral and polar, with alanine, which is neutral and non-polar, at codon 67 of the JAG1 protein (p.Thr67Ala). This variant has not been reported in the literature in individuals affected with JAG1-related conditions. This variant is not present in population databases (gnomAD no frequency). In summary, the available evidence is currently insufficient to determine the role of this variant in disease. Therefore, it has been classified as a Variant of Uncertain Significance. Advanced modeling of protein sequence and biophysical properties (such as structural, functional, and spatial information, amino acid conservation, physicochemical variation, residue mobility, and thermodynamic stability) performed at Invitae indicates that this missense variant is not expected to disrupt JAG1 protein function.

NM_000214.3(JAG1):c.199A>G (p.Thr67Ala)

Gene: JAG1 (jagged canonical Notch ligand 1; minus strand). Cytogenetic location: 20p12.2.
Variant type: single nucleotide variant.
Coding change: c.199A>G on transcript NM_000214.3 (MANE Select); coding-DNA position 199, A replaced by G.
Protein change: p.Thr67Ala; replaces threonine 67 with alanine.
Molecular consequence: missense variant.
Genome position (GRCh38, 1-based): chr20:10,672,889, T>C on the plus strand (A>G on the coding strand, the complement: JAG1 is on the minus strand). VCF-style: chr20-10672889-T-C. GRCh37 (hg19) VCF-style: chr20-10653537-T-C.
Other names: c.199A>G (NM_000214.2); short protein forms T67A.
Identifiers: ClinVar variation 1714226 (VCV001714226.6), dbSNP rs2514537979, ClinGen allele CA408243349.
Genomic context (GRCh38, chr20:10,672,889, plus strand): 5'-TGACGCGGGACTGATACTCCTTGAGGCACACTTTGAAGTATGTGTCACACTCGTCGCGGG[T>C]GCACTTGCGGTCTCCCGGGTTCCGGGCGCCGCCGCAGCAGTTCCCGTTCTGCAGCTCCCC-3'
Protein context (NP_000205.1, residues 57-77): GARNPGDRKC[Thr67Ala]RDECDTYFKV